The following continues an entry in ClinVar:

NM_001283009.2(RTEL1):c.2920C>T (p.Arg974Ter)

ClinVar aggregate classification (germline): Pathogenic. Pathogenic (19).

Submissions 12 to 21 of 21:

Johns Hopkins Genomics, Johns Hopkins University
Classification: Pathogenic for Pulmonary fibrosis and/or bone marrow failure, Telomere-related, 3. Last evaluated: 2023-11-29. Review status: criteria provided, single submitter. Criteria: ACMG Guidelines, 2015. Collection method: clinical testing. Allele origin: germline.
Comment: This RTEL1 variant has been reported in the literature in individuals with autosomal dominant as well as recessive RTEL1-related disorders. It (rs398123017) has been reported in ClinVar (Variation ID 42020), and is rare (<0.1%) in a large population dataset (gnomAD v4.0.0: 92/1611994 total alleles; 0.006%; no homozygotes). This nonsense variant results in a premature stop codon in exon 30 of 35, likely leading to nonsense-mediated decay and lack of protein production, which is supported by a functional study. We consider c.2920C>T in RTEL1 to be pathogenic.

Garcia Pulmonary Genetics Research Laboratory, Columbia University Irving Medical Center
Classification: Pathogenic for Pulmonary fibrosis. Last evaluated: 2022-06-09. Review status: criteria provided, single submitter. Criteria: ACMG Guidelines, 2015. Collection method: research. Allele origin: germline. Affected: yes.
Comment: Pathogenic criteria: null variant (PVS1) with functional study supportive of damaging effect (PS3): leukocyte telomere length (by qPCR) less than 10th percentile age-adjusted

3billion
Classification: Pathogenic for Dyskeratosis congenita, autosomal recessive 5. Last evaluated: 2022-01-03. Review status: criteria provided, single submitter. Criteria: ACMG Guidelines, 2015. Collection method: clinical testing. Allele origin: germline. Affected: yes. Observed: 1 heterozygote.
Comment: The variant has been reported at least twice as pathogenic/likely pathogenic with clinical assertions and evidence for the classification (ClinVar ID: VCV000042020, PMID:23453664). Stop-gained (nonsense): predicted to result in a loss or disruption of normal protein function through nonsense-mediated decay (NMD) or protein truncation. Multiple pathogenic variants are reported downstream of the variant (PVS1_VS). It is observed at an extremely low frequency in the gnomAD v2.1.1 dataset (total allele frequency: 0.000032, PM2_M). Therefore, this variant is classified as pathogenic according to the recommendation of ACMG/AMP guideline.

Laboratory for Molecular Medicine, Mass General Brigham Personalized Medicine
Classification: Pathogenic for Dyskeratosis congenita. Last evaluated: 2019-03-13. Review status: criteria provided, single submitter. Criteria: LMM Criteria. Collection method: clinical testing. Allele origin: germline. Inheritance: Autosomal recessive inheritance. Observed: 2 variant alleles.
Comment: The p.Arg998X variant in RTEL1 has been reported in the compound heterozygous state in 3 individuals with dyskeratosis congenita or Hoyeraal-Hreidarsson syndrome (Walne 2013, Ballew 2013, Deng 2013) and segregated disease in 5 affected relatives from 2 families (Walne 2013, Deng 2013). It was also identified in the heterozygous state in 3 individuals with pulmonary fibrosis (Petrovski 2017). In vitro functional studies provide evidence that the p.Arg998X variant impacts protein function (Deng 2013). This variant has also been identified in 6/125600 of European chromosomes by gnomADand reported in ClinVar (Variation ID #42020). This nonsense variant leads to a premature termination codon at position 998 which is predicted to lead to a truncated or absent protein. Loss of function of the RTEL1 gene is an established disease mechanism in autosomal recessive dyskeratosis congenita. In summary, this variant meets criteria to be classified as pathogenic for autosomal recessive dyskeratosis congenita. ACMG/AMP Criteria applied: PVS1, PM2, PM3_Strong, PS3_Supporting, PP1_Strong.

Women's Health and Genetics/Laboratory Corporation of America, LabCorp
Classification: Pathogenic for Dyskeratosis congenita. Last evaluated: 2016-06-16. Review status: criteria provided, single submitter. Criteria: LabCorp Variant Classification Summary - May 2015. Collection method: clinical testing. Allele origin: germline.
Comment: Variant summary: The RTEL1 c.2992C>T (p.Arg998X) variant results in a premature termination codon, predicted to cause a truncated or absent RTEL1 protein due to nonsense mediated decay, which are commonly known mechanisms for disease. The functional study showed that R974X transcript was degraded by nonsense-mediated decay (Deng_2013), and cells with variant showed significantly shortening telomeres (Deng_2013, Walne_2013) compare to WT. One in silico tool predicts a damaging outcome for this variant. This variant was found in 2/119914 control chromosomes at a frequency of 0.0000167, which does not exceed the estimated maximal expected allele frequency of a pathogenic RTEL1 variant (0.001118). This variant has been reported in multiple affected individuals with HHS and the variant was shown to co-segregate with disease in at least two families. In addition, one clinical diagnostic laboratory classified this variant as pathogenic. Taken together, this variant is classified as pathogenic.

University of Washington Center for Mendelian Genomics, University of Washington
Classification: Pathogenic for Interstitial lung disease 2. Last evaluated: 2015-05-19. Review status: criteria provided, single submitter. Criteria: Submitter's publication. Collection method: research. Allele origin: inherited. Affected: yes.

Juno Genomics, Hangzhou Juno Genomics, Inc
Classification: Pathogenic for Pulmonary fibrosis and/or bone marrow failure, Telomere-related, 3; Dyskeratosis congenita, autosomal recessive 5. Review status: criteria provided, single submitter. Criteria: ACMG Guidelines, 2015. Collection method: clinical testing. Allele origin: germline.
Comment: Absent from controls (or at extremely low frequency if recessive) in Genome Aggregation Database.;Null variant in a gene where loss of function (LOF) is a known mechanism of disease.;For recessive disorders, detected in trans with a pathogenic variant.;Co-segregation with disease in multiple affected family members.

Neuberg Centre For Genomic Medicine, NCGM
Classification: Pathogenic for Dyskeratosis congenita, autosomal recessive 5. Review status: criteria provided, single submitter. Criteria: ACMG Guidelines, 2015. Collection method: clinical testing. Allele origin: germline. Inheritance: Autosomal recessive inheritance. Affected: yes.
Comment: The observed stop gained c.2920C>T (p.Arg974Ter) variant in RTEL1 gene has been reported previously in multiple individuals affected with RTEL1-related disorders (Walne et al., 2013; Deng et al., 2013; Cogan et al., 2015; Ballew et al., 2013). It has also been observed to segregate with disease in related individuals. The functional study showed that Arg974Ter transcript was degraded by nonsense-mediated decay and cells with variant showed significantly shortening telomeres (Walne et al., 2013; Deng et al., 2013). The p.Arg974Ter variant is present with allele frequency of 0.003% in gnomAD Exomes. This variant has been submitted to the ClinVar database as Pathogenic (multiple submissions). Computational evidence (MutationTaster - Disease causing) predicts damaging effect on protein structure and function for this variant. The reference amino acid of p.Arg974Ter in RTEL1 is predicted as conserved by GERP++ and PhyloP across 100 vertebrates. This variant is predicted to cause loss of normal protein function through protein truncation. Loss of function variants in RTEL1 gene have been previously reported to be disease causing (Deng et al., 2013). For these reasons, this variant has been classified as Pathogenic.

Counsyl
Classification: Pathogenic for Dyskeratosis congenita, autosomal recessive 5. Last evaluated: 2017-02-01. Review status: no assertion criteria provided. Collection method: clinical testing. Allele origin: unknown. Not counted in ClinVar's aggregate classification.

OMIM
Classification: Pathogenic for DYSKERATOSIS CONGENITA, AUTOSOMAL RECESSIVE 5. Last evaluated: 2013-09-03. Review status: no assertion criteria provided. Collection method: literature only. Allele origin: germline. Not counted in ClinVar's aggregate classification.

Literature cited by the submitters: PubMed 23453664 (cited by 7 submitters); PubMed 23959892 (cited by 10 submitters); PubMed 25607374 (cited by 4 submitters); PubMed 23329068 (cited by 8 submitters); PubMed 28099038 (cited by 4 submitters); PubMed 35199181 (cited by Victorian Clinical Genetics Services, Murdoch Childrens Research Institute); PubMed 25848748 (cited by Victorian Clinical Genetics Services, Murdoch Childrens Research Institute); PubMed 30995915 (cited by Variantyx, Inc. and Mayo Clinic Laboratories, Mayo Clinic); PubMed 29344583 (cited by Mayo Clinic Laboratories, Mayo Clinic and Johns Hopkins Genomics, Johns Hopkins University); PubMed 36090019 (cited by Mayo Clinic Laboratories, Mayo Clinic); PubMed 36655009 (cited by Mayo Clinic Laboratories, Mayo Clinic and Johns Hopkins Genomics, Johns Hopkins University); PubMed 37392813 (cited by Johns Hopkins Genomics, Johns Hopkins University); PubMed 25047097 (cited by Counsyl).